The following is an entry in ClinVar:

ClinVar aggregate classification (germline): Pathogenic (1 of 4 stars; one submission).

Conditions:
Multiple congenital exostosis (EXT). Also called: Hereditary multiple exostoses; Hereditary multiple exostosis; MULTIPLE CARTILAGINOUS EXOSTOSES; Multiple osteochondromas; Multiple exostoses; Hereditary multiple osteochondromas. Identifiers: Orphanet 321, MedGen C0015306, MONDO:0005508, HP:0002762.

Submission:

Labcorp Genetics (formerly Invitae), Labcorp
Classification: Pathogenic for Multiple congenital exostosis. Last evaluated: 2025-02-03. Review status: criteria provided, single submitter. Criteria: Invitae Variant Classification Sherloc (09022015). Collection method: clinical testing. Allele origin: germline.
Comment: This sequence change replaces arginine, which is basic and polar, with tryptophan, which is neutral and slightly polar, at codon 280 of the EXT1 protein (p.Arg280Trp). This variant is not present in population databases (gnomAD no frequency). This missense change has been observed in individual(s) with osteochondromas (internal data). ClinVar contains an entry for this variant (Variation ID: 2011960). Invitae Evidence Modeling of protein sequence and biophysical properties (such as structural, functional, and spatial information, amino acid conservation, physicochemical variation, residue mobility, and thermodynamic stability) indicates that this missense variant is expected to disrupt EXT1 protein function with a positive predictive value of 95%. This variant disrupts the p.Arg280 amino acid residue in EXT1. Other variant(s) that disrupt this residue have been determined to be pathogenic (PMID: 9521425, 11391482; internal data). This suggests that this residue is clinically significant, and that variants that disrupt this residue are likely to be disease-causing. For these reasons, this variant has been classified as Pathogenic.

Literature cited by the submitters: PubMed 9521425; PubMed 11391482.

NM_000127.3(EXT1):c.838A>T (p.Arg280Trp)

Gene: EXT1 (exostosin glycosyltransferase 1; minus strand). Cytogenetic location: 8q24.11.
Variant type: single nucleotide variant.
Coding change: c.838A>T on transcript NM_000127.3 (MANE Select); coding-DNA position 838, A replaced by T.
Protein change: p.Arg280Trp; replaces arginine 280 with tryptophan.
Molecular consequence: missense variant.
Genome position (GRCh38, 1-based): chr8:118,110,209, T>A on the plus strand (A>T on the coding strand, the complement: EXT1 is on the minus strand). VCF-style: chr8-118110209-T-A. GRCh37 (hg19) VCF-style: chr8-119122448-T-A.
Other names: short protein forms R280W.
Identifiers: ClinVar variation 2011960 (VCV002011960.4), dbSNP rs1554601483, ClinGen allele CA371914945.